The following is an entry in ClinVar:

NM_004304.5(ALK):c.3945dup (p.Gly1316fs)

Gene: ALK (ALK receptor tyrosine kinase; minus strand). Cytogenetic location: 2p23.2.
Variant type: Duplication.
Coding change: c.3945dup on transcript NM_004304.5 (MANE Select); coding-DNA position 3945, one base duplicated (T; older notation c.3945dupT).
Protein change: p.Gly1316fs; shifts the reading frame from glycine 1316.
Molecular consequence: frameshift variant.
Genome position (GRCh38, 1-based): chr2:29,197,670, A duplicated on the plus strand (T on the coding strand, the reverse complement: ALK is on the minus strand); the first of 3 consecutive A bases (chr2:29,197,670-29,197,672); duplicating any one gives the same sequence. VCF-style (leftmost placement, unchanged base first): chr2-29197669-C-CA. GRCh37 (hg19) VCF-style: chr2-29420535-C-CA.
Other names: c.741dup, p.Gly248fs (NM_001353765.2); short protein forms G248fs, G1316fs.
Identifiers: ClinVar variation 2586696 (VCV002586696.3), dbSNP rs2465883000, ClinGen allele CA2582342359.

ClinVar aggregate classification (germline): Uncertain significance (1 of 4 stars; one submission).

Conditions:
Hereditary cancer-predisposing syndrome. Also called: Hereditary neoplastic syndrome; Hereditary Cancer Syndrome; Neoplastic Syndromes, Hereditary; Tumor predisposition. Identifiers: Orphanet 140162, MedGen C0027672, MeSH D009386, MONDO:0015356.

Submission:

Ambry Genetics
Classification: Uncertain significance for Hereditary cancer-predisposing syndrome. Last evaluated: 2026-07-30. Review status: criteria provided, single submitter. Criteria: Ambry Variant Classification Scheme 2023. Collection method: clinical testing. Allele origin: germline.
Comment: The c.3945dupT variant, located in coding exon 27 of the ALK gene, results from a duplication of T at nucleotide position 3945, causing a translational frameshift with a predicted alternate stop codon (p.G1316Wfs*56). This variant occurs at the 3' terminus of the gene and is not expected to trigger nonsense-mediated mRNA decay. Based on the available evidence, the clinical significance of this variant remains unclear.